The following is an entry in ClinVar:

NM_020937.4(FANCM):c.5297T>C (p.Val1766Ala)

Gene: FANCM (FA complementation group M; plus strand). Cytogenetic location: 14q21.2.
Variant type: single nucleotide variant.
Coding change: c.5297T>C on transcript NM_020937.4 (MANE Select); coding-DNA position 5297, T replaced by C.
Protein change: p.Val1766Ala; replaces valine 1766 with alanine.
Molecular consequence: missense variant.
Genome position (GRCh38, 1-based): chr14:45,189,319, T>C. VCF-style: chr14-45189319-T-C. GRCh37 (hg19) VCF-style: chr14-45658522-T-C.
Other names: c.5219T>C, p.Val1740Ala (NM_001308133.2); short protein forms V1740A, V1766A.
Identifiers: ClinVar variation 1019346 (VCV001019346.8), dbSNP rs368109537, ClinGen allele CA7169957.
Genomic context (GRCh38, chr14:45,189,319, plus strand): 5'-CAGACTTCAAACCTCAGAATCATAATGAAGTCCAGTCTACCACACCACCCTTCACTACTG[T>C]TGATTCACAGAAAGACTGTAGAAAATTTCCAGTTCCACAGAAGGTATGGATCAAAGAAAG-3'
Protein context (NP_065988.1, residues 1756-1776): VQSTTPPFTT[Val1766Ala]DSQKDCRKFP

ClinVar aggregate classification (germline): Uncertain significance (1 of 4 stars; one submission).

Conditions:
Fanconi anemia (FA). Also called: Fanconi's anemia. Identifiers: Orphanet 84, MedGen C0015625, MeSH D005199, MONDO:0019391.

Allele frequency attached by ClinVar (database versions not stated): gnomAD exomes below 0.00001; TOPMed 0.00004; ESP Exome Variant Server 0.00008.

Submission:

Labcorp Genetics (formerly Invitae), Labcorp
Classification: Uncertain significance for Fanconi anemia. Last evaluated: 2024-05-02. Review status: criteria provided, single submitter. Criteria: Invitae Variant Classification Sherloc (09022015). Collection method: clinical testing. Allele origin: germline.
Comment: This sequence change replaces valine, which is neutral and non-polar, with alanine, which is neutral and non-polar, at codon 1766 of the FANCM protein (p.Val1766Ala). This variant is present in population databases (rs368109537, gnomAD 0.007%). This variant has not been reported in the literature in individuals affected with FANCM-related conditions. ClinVar contains an entry for this variant (Variation ID: 1019346). Algorithms developed to predict the effect of missense changes on protein structure and function output the following: SIFT: "Not Available"; PolyPhen-2: "Benign"; Align-GVGD: "Not Available". The alanine amino acid residue is found in multiple mammalian species, which suggests that this missense change does not adversely affect protein function. In summary, the available evidence is currently insufficient to determine the role of this variant in disease. Therefore, it has been classified as a Variant of Uncertain Significance.